The following is an entry in ClinVar:

ClinVar aggregate classification (germline): Uncertain significance (1 of 4 stars; one submission).

Allele frequency attached by ClinVar (database versions not stated): gnomAD exomes below 0.00001; TOPMed below 0.00001.
gnomAD v4.1: 4 of 1,580,762 alleles (0.00025%); highest among the groups gnomAD compares: Admixed American, 0.0037%; no homozygotes.

Submission:

Labcorp Genetics (formerly Invitae), Labcorp
Classification: Uncertain significance. Last evaluated: 2022-09-07. Review status: criteria provided, single submitter. Criteria: Invitae Variant Classification Sherloc (09022015). Collection method: clinical testing. Allele origin: germline.
Comment: This variant has not been reported in the literature in individuals affected with CAPN1-related conditions. This variant is not present in population databases (gnomAD no frequency). This sequence change replaces arginine, which is basic and polar, with tryptophan, which is neutral and slightly polar, at codon 22 of the CAPN1 protein (p.Arg22Trp). ClinVar contains an entry for this variant (Variation ID: 1352010). In summary, the available evidence is currently insufficient to determine the role of this variant in disease. Therefore, it has been classified as a Variant of Uncertain Significance. Algorithms developed to predict the effect of missense changes on protein structure and function (SIFT, PolyPhen-2, Align-GVGD) all suggest that this variant is likely to be tolerated.

NM_005186.4(CAPN1):c.64C>T (p.Arg22Trp)

Gene: CAPN1 (calpain 1; plus strand). Cytogenetic location: 11q13.1.
Variant type: single nucleotide variant.
Coding change: c.64C>T on transcript NM_005186.4 (MANE Select); coding-DNA position 64, C replaced by T.
Protein change: p.Arg22Trp; replaces arginine 22 with tryptophan.
Molecular consequence: missense variant. On other transcripts: non-coding transcript variant (1).
Genome position (GRCh38, 1-based): chr11:65,182,765, C>T. VCF-style: chr11-65182765-C-T. GRCh37 (hg19) VCF-style: chr11-64950236-C-T.
Other names: c.64C>T, p.Arg22Trp (NM_001198868.2, NM_001198869.2); short protein forms R22W.
Identifiers: ClinVar variation 1352010 (VCV001352010.8), dbSNP rs1565385504, ClinGen allele CA381240137.